The following is an entry in ClinVar:

NM_033004.4(NLRP1):c.1606C>T (p.Arg536Trp)

Gene: NLRP1 (NLR family pyrin domain containing 1; minus strand). Cytogenetic location: 17p13.2.
Variant type: single nucleotide variant.
Coding change: c.1606C>T on transcript NM_033004.4 (MANE Select); coding-DNA position 1606, C replaced by T.
Protein change: p.Arg536Trp; replaces arginine 536 with tryptophan.
Molecular consequence: missense variant.
Genome position (GRCh38, 1-based): chr17:5,559,090, G>A on the plus strand (C>T on the coding strand, the complement: NLRP1 is on the minus strand). VCF-style: chr17-5559090-G-A. GRCh37 (hg19) VCF-style: chr17-5462410-G-A.
Other names: c.1606C>T (NM_033004.3); c.1606C>T, p.Arg536Trp (NM_001033053.3, NM_014922.5, NM_033006.4 and 1 more transcripts); short protein forms R536W.
Identifiers: ClinVar variation 1438825 (VCV001438825.8), dbSNP rs201070268, ClinGen allele CA8327352.

ClinVar aggregate classification (germline): Uncertain significance. Review status: criteria provided, multiple submitters, no conflicts (2 of 4 stars). 3 submissions from 3 submitters: Uncertain significance (3). Last evaluated 2025-11-08.

Conditions:
Inborn genetic diseases. Identifiers: MedGen C0950123, MeSH D030342.

Allele frequency attached by ClinVar (database versions not stated): ExAC 0.00006; gnomAD 0.00006 and 0.00007; TOPMed 0.00006; ESP Exome Variant Server 0.00008; gnomAD exomes 0.00008; 1000 Genomes Project 30x 0.00016; 1000 Genomes Project 0.00020.
gnomAD v4.1: 134 of 1,614,142 alleles (0.0083%); highest among the groups gnomAD compares: Middle Eastern, 0.016%; 1 homozygote.

Submissions (3):

Labcorp Genetics (formerly Invitae), Labcorp
Classification: Uncertain significance. Last evaluated: 2025-11-08. Review status: criteria provided, single submitter. Criteria: Invitae Variant Classification Sherloc (09022015). Collection method: clinical testing. Allele origin: germline.
Comment: This sequence change replaces arginine, which is basic and polar, with tryptophan, which is neutral and slightly polar, at codon 536 of the NLRP1 protein (p.Arg536Trp). This variant is present in population databases (rs201070268, gnomAD 0.02%). This variant has not been reported in the literature in individuals affected with NLRP1-related conditions. ClinVar contains an entry for this variant (Variation ID: 1438825). An algorithm developed to predict the effect of missense changes on protein structure and function (PolyPhen-2) suggests that this variant is likely to be disruptive. In summary, the available evidence is currently insufficient to determine the role of this variant in disease. Therefore, it has been classified as a Variant of Uncertain Significance.

Ambry Genetics
Classification: Uncertain significance for Inborn genetic diseases. Last evaluated: 2024-08-21. Review status: criteria provided, single submitter. Criteria: Ambry Variant Classification Scheme 2023. Collection method: clinical testing. Allele origin: germline.

Blueprint Genetics
Classification: Uncertain significance. Last evaluated: 2023-04-05. Review status: criteria provided, single submitter. Criteria: ACMG Guidelines, 2015. Collection method: clinical testing. Allele origin: germline.